The following is an entry in ClinVar:

NM_000051.4(ATM):c.6972A>G (p.Ala2324=)

Genes: ATM (ATM serine/threonine kinase; plus strand), C11orf65 (chromosome 11 open reading frame 65; minus strand). Cytogenetic location: 11q22.3.
Variant type: single nucleotide variant.
Coding change: c.6972A>G on transcript NM_000051.4 (MANE Select); coding-DNA position 6972, A replaced by G.
Protein change: p.Ala2324=; no amino-acid change (alanine 2324 retained).
Molecular consequence: synonymous variant. On other transcripts: intron variant (2).
Genome position (GRCh38, 1-based): chr11:108,326,222, A>G. VCF-style: chr11-108326222-A-G. GRCh37 (hg19) VCF-style: chr11-108196949-A-G.
Other names: c.6972A>G, p.Ala2324= (NM_001351834.2); c.641-17151T>C (NM_001330368.2); c.*38+8998T>C (NM_001351110.2).
Identifiers: ClinVar variation 4865780 (VCV004865780.1).

ClinVar aggregate classification (germline): Uncertain significance (1 of 4 stars; one submission).

Conditions:
Hereditary cancer-predisposing syndrome. Also called: Tumor predisposition; Hereditary neoplastic syndrome; Hereditary Cancer Syndrome; Neoplastic Syndromes, Hereditary. Identifiers: Orphanet 140162, MedGen C0027672, MeSH D009386, MONDO:0015356.

Submission:

Ambry Genetics
Classification: Uncertain significance for Hereditary cancer-predisposing syndrome. Last evaluated: 2026-03-18. Review status: criteria provided, single submitter. Criteria: Ambry Variant Classification Scheme 2023. Collection method: clinical testing. Allele origin: germline.
Comment: The c.6972A>G variant (also known as p.A2324A), located in coding exon 46 of the ATM gene, results from an A to G substitution at nucleotide position 6972. This nucleotide substitution does not change the alanine at codon 2324. In an assay testing ATM function, this variant showed a functionally indeterminant result (Lee KS et al. Cell, 2025 Sep;188:5081-5099.e27). This nucleotide position is not well conserved in available vertebrate species. In silico splice site analysis for this alteration is inconclusive. Based on the available evidence, the clinical significance of this variant remains unclear.

Literature cited by the submitters: PubMed 40580951.